The following is an entry in ClinVar:

ClinVar aggregate classification (germline): Uncertain significance (1 of 4 stars; one submission).

Conditions:
Hereditary pancreatitis (PCTT). Also called: Hereditary chronic pancreatitis; PRSS1-Related Hereditary Pancreatitis. Identifiers: Orphanet 676, MedGen C0238339, MONDO:0008185, OMIM 167800.

Submission:

Ambry Genetics
Classification: Uncertain significance for Hereditary pancreatitis. Last evaluated: 2023-10-28. Review status: criteria provided, single submitter. Criteria: Ambry Variant Classification Scheme 2023. Collection method: clinical testing. Allele origin: germline.
Comment: The p.T58A variant (also known as c.172A>G), located in coding exon 3 of the CTRC gene, results from an A to G substitution at nucleotide position 172. The threonine at codon 58 is replaced by alanine, an amino acid with similar properties. This amino acid position is conserved. In addition, the in silico prediction for this alteration is inconclusive. Since supporting evidence is limited at this time, the clinical significance of this alteration remains unclear.

NM_007272.3(CTRC):c.172A>G (p.Thr58Ala)

Gene: CTRC (chymotrypsin C; plus strand). Cytogenetic location: 1p36.21.
Variant type: single nucleotide variant.
Coding change: c.172A>G on transcript NM_007272.3 (MANE Select); coding-DNA position 172, A replaced by G.
Protein change: p.Thr58Ala; replaces threonine 58 with alanine.
Molecular consequence: missense variant.
Genome position (GRCh38, 1-based): chr1:15,440,532, A>G. VCF-style: chr1-15440532-A-G. GRCh37 (hg19) VCF-style: chr1-15767028-A-G.
Other names: short protein forms T58A.
Identifiers: ClinVar variation 3226056 (VCV003226056.1), dbSNP rs2526290137, ClinGen allele CA338565026.